The following is an entry in ClinVar:

ClinVar aggregate classification (germline): Conflicting classifications of pathogenicity. Review status: criteria provided, conflicting classifications (1 of 4 stars). 6 submissions from 6 submitters: Uncertain significance (5); Likely benign (1). Last evaluated 2026-02-13.

Conditions:
Cardiovascular phenotype. Identifiers: MedGen CN230736.
Ehlers-Danlos syndrome (EDS). Identifiers: Orphanet 98249, MedGen C0013720, MONDO:0020066.
Osteogenesis imperfecta type I (OI1). Also called: Osteogenesis imperfecta type 1; OI, TYPE I; OSTEOGENESIS IMPERFECTA TARDA; OSTEOGENESIS IMPERFECTA WITH BLUE SCLERAE; Classic Non-deforming Osteogenesis Imperfecta with Blue Sclerae; Lobstein disease. Identifiers: Orphanet 216796, Orphanet 666, MedGen C0023931, MONDO:0008146, OMIM 166200. Disease mechanism: loss of function.

Allele frequency attached by ClinVar (database versions not stated): ExAC 0.00002; gnomAD exomes 0.00002 and 0.00001; gnomAD 0.00001; TOPMed 0.00002.
gnomAD v4.1: 19 of 1,613,952 alleles (0.0012%); highest among the groups gnomAD compares: Admixed American, 0.005%; no homozygotes.

Submissions (6):

Women's Health and Genetics/Laboratory Corporation of America, LabCorp
Classification: Uncertain significance. Last evaluated: 2026-02-13. Review status: criteria provided, single submitter. Criteria: LabCorp Variant Classification Summary - May 2015. Collection method: clinical testing. Allele origin: germline.
Comment: Variant summary: COL1A1 c.3094G>A (p.Ala1032Thr) results in a non-conservative amino acid change in the encoded protein sequence. Algorithms developed to predict the effect of missense changes on protein structure and function are either unavailable or do not agree on the potential impact of this missense change. The variant allele was found at a frequency of 2e-05 in 251386 control chromosomes. The available data on variant occurrences in the general population are insufficient to allow any conclusion about variant significance. To our knowledge, no occurrence of c.3094G>A in individuals affected with COL1A1-related conditions and no experimental evidence demonstrating its impact on protein function have been reported. ClinVar contains an entry for this variant (Variation ID: 432245). Based on the evidence outlined above, the variant was classified as uncertain significance.

Labcorp Genetics (formerly Invitae), Labcorp
Classification: Likely benign for Osteogenesis imperfecta type I. Last evaluated: 2025-12-23. Review status: criteria provided, single submitter. Criteria: Invitae Variant Classification Sherloc (09022015). Collection method: clinical testing. Allele origin: germline.

GeneDx
Classification: Uncertain significance. Last evaluated: 2025-01-29. Review status: criteria provided, single submitter. Criteria: GeneDx Variant Classification Process June 2021. Collection method: clinical testing. Allele origin: germline. Affected: yes.
Comment: Reported in a patient with Ehlers-Danlos syndrome in published literature (PMID: 38534782); Not observed at significant frequency in large population cohorts (gnomAD); In silico analysis indicates that this missense variant does not alter protein structure/function; Occurs in the triple helical domain at the X position in the canonical Gly-X-Y repeat; although this variant may have an effect on normal protein folding and function, missense substitution at the X position is not a common mechanism of disease (HGMD); This variant is associated with the following publications: (PMID: 38534782)

Ambry Genetics
Classification: Uncertain significance for Cardiovascular phenotype. Last evaluated: 2024-07-22. Review status: criteria provided, single submitter. Criteria: Ambry Variant Classification Scheme 2023. Collection method: clinical testing. Allele origin: germline.
Comment: The p.A1032T variant (also known as c.3094G>A), located in coding exon 42 of the COL1A1 gene, results from a G to A substitution at nucleotide position 3094. The alanine at codon 1032 is replaced by threonine, an amino acid with similar properties. This alteration has been reported in an Ehlers-Danlos syndrome (EDS) genetic testing cohort (Wilson GN et al. Curr Issues Mol Biol, 2024 Mar;46:2620-2643). This amino acid position is poorly conserved in available vertebrate species. In addition, the in silico prediction for this alteration is inconclusive. Based on the available evidence, the clinical significance of this variant remains unclear.

ARUP Laboratories, Molecular Genetics and Genomics, ARUP Laboratories
Classification: Uncertain significance. Last evaluated: 2023-10-13. Review status: criteria provided, single submitter. Criteria: ARUP Molecular Germline Variant Investigation Process 2024. Collection method: clinical testing. Allele origin: germline.
Comment: The COL1A1 c.3094G>A; p.Ala1032Thr variant (rs374095521), to our knowledge, is not reported in the medical literature but is reported in ClinVar (Variation ID: 432245). This variant is found in the general population with an overall allele frequency of 0.002% (5/251,386 alleles) in the Genome Aggregation Database. Computational analyses are uncertain whether this variant is neutral or deleterious (REVEL: 0.437). Due to limited information, the clinical significance of this variant is uncertain at this time.

Genome Diagnostics Laboratory, The Hospital for Sick Children
Classification: Uncertain significance for Ehlers-Danlos syndrome. Last evaluated: 2021-03-09. Review status: criteria provided, single submitter. Criteria: ACMG Guidelines, 2015. Collection method: clinical testing. Allele origin: germline.

Literature cited by the submitters: PubMed 38534782 (cited by Ambry Genetics).

NM_000088.4(COL1A1):c.3094G>A (p.Ala1032Thr)

Gene: COL1A1 (collagen type I alpha 1 chain; minus strand). Cytogenetic location: 17q21.33.
Variant type: single nucleotide variant.
Coding change: c.3094G>A on transcript NM_000088.4 (MANE Select); coding-DNA position 3094, G replaced by A.
Protein change: p.Ala1032Thr; replaces alanine 1032 with threonine.
Molecular consequence: missense variant.
Genome position (GRCh38, 1-based): chr17:50,188,747, C>T on the plus strand (G>A on the coding strand, the complement: COL1A1 is on the minus strand). VCF-style: chr17-50188747-C-T. GRCh37 (hg19) VCF-style: chr17-48266108-C-T.
Other names: short protein forms A1032T.
Identifiers: ClinVar variation 432245 (VCV000432245.17), dbSNP rs374095521, ClinGen allele CA8644580.